The following is an entry in ClinVar:

ClinVar aggregate classification (germline): Uncertain significance (1 of 4 stars; one submission).

Conditions:
Partial androgen insensitivity syndrome (PAIS). Also called: ANDROGEN INSENSITIVITY, PARTIAL, WITH OR WITHOUT BREAST CANCER; Reifenstein syndrome; Pseudohermaphroditism, Incomplete male, type I; Gynecomastia, familial; Reifenstein syndrome, partial; Androgen resistance syndrome, partial. Identifiers: Orphanet 90797, MedGen C0268301, MONDO:0010720, OMIM 312300.

Submission:

3billion
Classification: Uncertain significance for Partial androgen insensitivity syndrome. Last evaluated: 2022-01-03. Review status: criteria provided, single submitter. Criteria: ACMG Guidelines, 2015. Collection method: clinical testing. Allele origin: germline. Affected: yes. Observed: 1 hemizygote.
Comment: The variant is located in a well-established functional domain or exonic hotspot, where pathogenic variants have frequently reported (PM1_M). It is not observed in the gnomAD v2.1.1 dataset (PM2_M). In silico tool predictions suggest damaging effect of the variant on gene or gene product (3CNET: 0.802, PP3_P). Therefore, this variant is classified as uncertain significance according to the recommendation of ACMG/AMP guideline.

NM_000044.6(AR):c.2078A>T (p.Asn693Ile)

Gene: AR (androgen receptor; plus strand). Cytogenetic location: Xq12.
Variant type: single nucleotide variant.
Coding change: c.2078A>T on transcript NM_000044.6 (MANE Select); coding-DNA position 2078, A replaced by T.
Protein change: p.Asn693Ile; replaces asparagine 693 with isoleucine.
Molecular consequence: missense variant.
Genome position (GRCh38, 1-based): chrX:67,711,594, A>T. VCF-style: chrX-67711594-A-T. GRCh37 (hg19) VCF-style: chrX-66931436-A-T.
Other names: c.482A>T, p.Asn161Ile (NM_001011645.3); short protein forms N161I, N693I.
Identifiers: ClinVar variation 1333500 (VCV001333500.1), dbSNP rs2147524940, ClinGen allele CA413423366.
Genomic context (GRCh38, chrX:67,711,594, plus strand): 5'-TCTTTCTGAATGTCCTGGAAGCCATTGAGCCAGGTGTAGTGTGTGCTGGACACGACAACA[A>T]CCAGCCCGACTCCTTTGCAGCCTTGCTCTCTAGCCTCAATGAACTGGGAGAGAGACAGCT-3'
Protein context (NP_000035.2, residues 683-703): PGVVCAGHDN[Asn693Ile]QPDSFAALLS